The following is an entry in ClinVar:

ClinVar aggregate classification (germline): Uncertain significance (1 of 4 stars; one submission).

Conditions:
Hypertrophic cardiomyopathy 20. Identifiers: MedGen C3151267, MONDO:0013477, OMIM 613876.
Dilated cardiomyopathy 1CC (CMD1CC). Identifiers: Orphanet 154, MedGen C2751084, MONDO:0013147, OMIM 613122.

Submission:

Labcorp Genetics (formerly Invitae), Labcorp
Classification: Uncertain significance for Dilated cardiomyopathy 1CC; Hypertrophic cardiomyopathy 20. Last evaluated: 2019-05-21. Review status: criteria provided, single submitter. Criteria: Invitae Variant Classification Sherloc (09022015). Collection method: clinical testing. Allele origin: germline.
Comment: This sequence change replaces threonine with serine at codon 670 of the NEXN protein (p.Thr670Ser). The threonine residue is highly conserved and there is a small physicochemical difference between threonine and serine. This variant is not present in population databases (ExAC no frequency). This variant has not been reported in the literature in individuals with NEXN-related disease. Algorithms developed to predict the effect of missense changes on protein structure and function are either unavailable or do not agree on the potential impact of this missense change (SIFT: "Tolerated"; PolyPhen-2: "Possibly Damaging"; Align-GVGD: "Class C0"). In summary, the available evidence is currently insufficient to determine the role of this variant in disease. Therefore, it has been classified as a Variant of Uncertain Significance.

NM_144573.4(NEXN):c.2008A>T (p.Thr670Ser)

Gene: NEXN (nexilin F-actin binding protein; plus strand). Cytogenetic location: 1p31.1.
Variant type: single nucleotide variant.
Coding change: c.2008A>T on transcript NM_144573.4 (MANE Select); coding-DNA position 2008, A replaced by T.
Protein change: p.Thr670Ser; replaces threonine 670 with serine.
Molecular consequence: missense variant.
Genome position (GRCh38, 1-based): chr1:77,942,809, A>T. VCF-style: chr1-77942809-A-T. GRCh37 (hg19) VCF-style: chr1-78408494-A-T.
Other names: c.1816A>T, p.Thr606Ser (NM_001172309.2); short protein forms T606S, T670S.
Identifiers: ClinVar variation 658474 (VCV000658474.10), dbSNP rs1571176371, ClinGen allele CA340883744.